The following is an entry in ClinVar:

NM_004006.3(DMD):c.2954_2955delinsAC (p.Leu985Tyr)

Gene: DMD (dystrophin; minus strand). Cytogenetic location: Xp21.1.
Variant type: Indel.
Coding change: c.2954_2955delinsAC on transcript NM_004006.3 (MANE Select); coding-DNA positions 2954 to 2955, TA replaced by AC.
Protein change: p.Leu985Tyr; replaces leucine 985 with tyrosine.
Molecular consequence: missense variant.
Genome position (GRCh38, 1-based): chrX:32,468,705-32,468,706, TA replaced by GT on the plus strand (TA replaced by AC on the coding strand, the reverse complement: DMD is on the minus strand). VCF-style: chrX-32468705-TA-GT. GRCh37 (hg19) VCF-style: chrX-32486822-TA-GT.
Other names: c.2930_2931delinsAC, p.Leu977Tyr (NM_000109.4); c.2942_2943delinsAC, p.Leu981Tyr (NM_004009.3); c.2585_2586delinsAC, p.Leu862Tyr (NM_004010.3); short protein forms L862Y, L977Y, L981Y, L985Y.
Identifiers: ClinVar variation 4725720 (VCV004725720.1).
Genomic context (GRCh38, chrX:32,468,705, plus strand): 5'-CTCTTTCACAGTGGTGCTGAGATAGTATAGGCCACTTTGTTGCTCTTGCAGAGAACTTTG[TA>GT]AAGCCTAAAAAACAATTTTTTAAATACATTTACCCTAATTGATGAATAATAATTGATGAG-3'
Protein context (NP_003997.2, residues 975-995): MEQRLGELQA[Leu985Tyr]QSSLQEQQSG

ClinVar aggregate classification (germline): Uncertain significance (1 of 4 stars; one submission).

Conditions:
Duchenne muscular dystrophy (DMD). Also called: MUSCULAR DYSTROPHY, PSEUDOHYPERTROPHIC PROGRESSIVE, DUCHENNE TYPE; Duchenne Muscular Dystrophy (DMD). Identifiers: Orphanet 98896, MedGen C0013264, MONDO:0010679, OMIM 310200.

Submission:

Labcorp Genetics (formerly Invitae), Labcorp
Classification: Uncertain significance for Duchenne muscular dystrophy. Last evaluated: 2025-08-20. Review status: criteria provided, single submitter. Criteria: Invitae Variant Classification Sherloc (09022015). Collection method: clinical testing. Allele origin: germline.
Comment: This sequence change replaces leucine, which is neutral and non-polar, with tyrosine, which is neutral and polar, at codon 985 of the DMD protein (p.Leu985Tyr). This variant is present in population databases (no rsID available, gnomAD 0.0006%). This variant has not been reported in the literature in individuals affected with DMD-related conditions. An algorithm developed to predict the effect of missense changes on protein structure and function (PolyPhen-2) suggests that this variant is likely to be disruptive. In summary, the available evidence is currently insufficient to determine the role of this variant in disease. Therefore, it has been classified as a Variant of Uncertain Significance.